The following is an entry in ClinVar:

ClinVar aggregate classification (germline): Uncertain significance (1 of 4 stars; one submission).

Conditions:
Nephronophthisis. Also called: Juvenile Nephronophthisis. Identifiers: Orphanet 655, MedGen C0687120, MONDO:0019005, HP:0000090.

Allele frequency attached by ClinVar (database versions not stated): gnomAD exomes 0.00001; ExAC 0.00002.
gnomAD v4.1: 11 of 1,614,232 alleles (0.00068%); highest among the groups gnomAD compares: South Asian, 0.0011%; no homozygotes.

Submission:

Labcorp Genetics (formerly Invitae), Labcorp
Classification: Uncertain significance for Nephronophthisis. Last evaluated: 2021-09-14. Review status: criteria provided, single submitter. Criteria: Invitae Variant Classification Sherloc (09022015). Collection method: clinical testing. Allele origin: germline.
Comment: This sequence change replaces asparagine with serine at codon 517 of the IQCB1 protein (p.Asn517Ser). The asparagine residue is moderately conserved and there is a small physicochemical difference between asparagine and serine. This variant is present in population databases (rs774106373, ExAC 0.009%). This variant has not been reported in the literature in individuals affected with IQCB1-related conditions. Algorithms developed to predict the effect of missense changes on protein structure and function output the following: SIFT: "Deleterious"; PolyPhen-2: "Benign"; Align-GVGD: "Class C0". The serine amino acid residue is found in multiple mammalian species, which suggests that this missense change does not adversely affect protein function. In summary, the available evidence is currently insufficient to determine the role of this variant in disease. Therefore, it has been classified as a Variant of Uncertain Significance.

NM_001023570.4(IQCB1):c.1550A>G (p.Asn517Ser)

Gene: IQCB1 (IQ motif containing B1; minus strand). Cytogenetic location: 3q13.33.
Variant type: single nucleotide variant.
Coding change: c.1550A>G on transcript NM_001023570.4 (MANE Select); coding-DNA position 1550, A replaced by G.
Protein change: p.Asn517Ser; replaces asparagine 517 with serine.
Molecular consequence: missense variant. On other transcripts: non-coding transcript variant (1).
Genome position (GRCh38, 1-based): chr3:121,772,574, T>C on the plus strand (A>G on the coding strand, the complement: IQCB1 is on the minus strand). VCF-style: chr3-121772574-T-C. GRCh37 (hg19) VCF-style: chr3-121491421-T-C.
Other names: c.1151A>G, p.Asn384Ser (NM_001023571.4); c.1550A>G, p.Asn517Ser (NM_001319107.2); short protein forms N384S, N517S.
Identifiers: ClinVar variation 1400735 (VCV001400735.5), dbSNP rs774106373, ClinGen allele CA2567072.